The following is an entry in ClinVar:

ClinVar aggregate classification (germline): Pathogenic (1 of 4 stars; one submission).

Submission:

GeneDx
Classification: Pathogenic. Last evaluated: 2017-06-29. Review status: criteria provided, single submitter. Criteria: GeneDx Variant Classification (06012015). Collection method: clinical testing. Allele origin: germline. Affected: yes.
Comment: The S1880X variant in the KAT6A gene has not been reported previously as a pathogenic variant nor as a benign variant, to our knowledge. This variant is predicted to cause loss of normal protein function through protein truncation with the loss of the last 125 amino acids. The S1880X variant is not observed in large population cohorts (Lek et al., 2016; 1000 Genomes Consortium et al., 2015; Exome Variant Server). We interpret S1880X as a pathogenic variant.

NM_006766.5(KAT6A):c.5639C>A (p.Ser1880Ter)

Gene: KAT6A (lysine acetyltransferase 6A; minus strand). Cytogenetic location: 8p11.21.
Variant type: single nucleotide variant.
Coding change: c.5639C>A on transcript NM_006766.5 (MANE Select); coding-DNA position 5639, C replaced by A.
Protein change: p.Ser1880Ter; replaces serine 1880 with a stop codon.
Molecular consequence: nonsense.
Genome position (GRCh38, 1-based): chr8:41,932,581, G>T on the plus strand (C>A on the coding strand, the complement: KAT6A is on the minus strand). VCF-style: chr8-41932581-G-T. GRCh37 (hg19) VCF-style: chr8-41790099-G-T.
Other names: short protein forms S1880*.
Identifiers: ClinVar variation 489019 (VCV000489019.2), dbSNP rs201870299, ClinGen allele CA371061081.